The following is an entry in ClinVar:

NM_053025.4(MYLK):c.2987G>A (p.Gly996Asp)

Gene: MYLK (myosin light chain kinase; minus strand). Cytogenetic location: 3q21.1.
Variant type: single nucleotide variant.
Coding change: c.2987G>A on transcript NM_053025.4 (MANE Select); coding-DNA position 2987, G replaced by A.
Protein change: p.Gly996Asp; replaces glycine 996 with aspartic acid.
Molecular consequence: missense variant.
Genome position (GRCh38, 1-based): chr3:123,700,481, C>T on the plus strand (G>A on the coding strand, the complement: MYLK is on the minus strand). VCF-style: chr3-123700481-C-T. GRCh37 (hg19) VCF-style: chr3-123419328-C-T.
Other names: c.2459G>A, p.Gly820Asp (NM_001321309.2); c.2780G>A, p.Gly927Asp (NM_053026.4, NM_053028.4); c.2987G>A, p.Gly996Asp (NM_053027.4); short protein forms G996D, G820D, G927D.
Identifiers: ClinVar variation 837503 (VCV000837503.10), dbSNP rs761654890, ClinGen allele CA069222.

ClinVar aggregate classification (germline): Uncertain significance. Review status: criteria provided, multiple submitters, no conflicts (2 of 4 stars). 2 submissions from 2 submitters: Uncertain significance (2). Last evaluated 2026-07-10.

Conditions:
Familial thoracic aortic aneurysm and aortic dissection (TAAD). Also called: Thoracic aortic aneurysms and dissections. Identifiers: Orphanet 91387, MedGen C4707243, MONDO:0019625.
Aortic aneurysm, familial thoracic 7 (AAT7). Also called: AORTIC DISSECTION, FAMILIAL, WITH OR WITHOUT AORTIC ANEURYSM. Identifiers: MedGen C3151077, MONDO:0013418, OMIM 613780.

Allele frequency attached by ClinVar (database versions not stated): TOPMed below 0.00001; gnomAD exomes 0.00001.
gnomAD v4.1: 14 of 1,607,676 alleles (0.00087%); highest among the groups gnomAD compares: Non-Finnish European, 0.0012%; no homozygotes.

Submissions (2):

Ambry Genetics
Classification: Uncertain significance for Familial thoracic aortic aneurysm and aortic dissection. Last evaluated: 2026-07-10. Review status: criteria provided, single submitter. Criteria: Ambry Variant Classification Scheme 2023. Collection method: clinical testing. Allele origin: germline.
Comment: The p.G996D variant (also known as c.2987G>A), located in coding exon 15 of the MYLK gene, results from a G to A substitution at nucleotide position 2987. The glycine at codon 996 is replaced by aspartic acid, an amino acid with similar properties. This amino acid position is conserved. In addition, this alteration is predicted to be tolerated by in silico analysis. Based on the available evidence, the clinical significance of this variant remains unclear.

Labcorp Genetics (formerly Invitae), Labcorp
Classification: Uncertain significance for Aortic aneurysm, familial thoracic 7. Last evaluated: 2022-10-31. Review status: criteria provided, single submitter. Criteria: Invitae Variant Classification Sherloc (09022015). Collection method: clinical testing. Allele origin: germline.
Comment: This variant has not been reported in the literature in individuals affected with MYLK-related conditions. This sequence change replaces glycine, which is neutral and non-polar, with aspartic acid, which is acidic and polar, at codon 996 of the MYLK protein (p.Gly996Asp). This variant is present in population databases (rs761654890, gnomAD 0.004%). ClinVar contains an entry for this variant (Variation ID: 837503). Advanced modeling of protein sequence and biophysical properties (such as structural, functional, and spatial information, amino acid conservation, physicochemical variation, residue mobility, and thermodynamic stability) performed at Invitae indicates that this missense variant is not expected to disrupt MYLK protein function. In summary, the available evidence is currently insufficient to determine the role of this variant in disease. Therefore, it has been classified as a Variant of Uncertain Significance.